The following is an entry in ClinVar:

NM_000465.4(BARD1):c.763A>G (p.Asn255Asp)

Gene: BARD1 (BRCA1 associated RING domain 1; minus strand). Cytogenetic location: 2q35.
Variant type: single nucleotide variant.
Coding change: c.763A>G on transcript NM_000465.4 (MANE Select); coding-DNA position 763, A replaced by G.
Protein change: p.Asn255Asp; replaces asparagine 255 with aspartic acid.
Molecular consequence: missense variant. On other transcripts: non-coding transcript variant (2), intron variant (3).
Genome position (GRCh38, 1-based): chr2:214,781,111, T>C on the plus strand (A>G on the coding strand, the complement: BARD1 is on the minus strand). VCF-style: chr2-214781111-T-C. GRCh37 (hg19) VCF-style: chr2-215645835-T-C.
Other names: c.706A>G, p.Asn236Asp (NM_001282543.2); c.158+28301A>G (NM_001282548.2); c.215+15950A>G (NM_001282545.2); c.364+11186A>G (NM_001282549.2); c.763A>G (NM_000465.2); short protein forms N236D, N255D.
Identifiers: ClinVar variation 842731 (VCV000842731.14), dbSNP rs1694994506, ClinGen allele CA350455966.

ClinVar aggregate classification (germline): Uncertain significance. Review status: criteria provided, multiple submitters, no conflicts (2 of 4 stars). 3 submissions from 3 submitters: Uncertain significance (3). Last evaluated 2025-04-02.

Conditions:
Hereditary cancer-predisposing syndrome. Also called: Hereditary Cancer Syndrome; Hereditary neoplastic syndrome; Tumor predisposition; Neoplastic Syndromes, Hereditary. Identifiers: Orphanet 140162, MedGen C0027672, MeSH D009386, MONDO:0015356.
Familial cancer of breast. Also called: hereditary breast carcinoma; BREAST CANCER, FAMILIAL; Hereditary breast cancer. Identifiers: Orphanet 227535, MedGen C0346153, MONDO:0016419, OMIM 114480. Disease mechanism: loss of function.

Submissions (3):

Labcorp Genetics (formerly Invitae), Labcorp
Classification: Uncertain significance for Familial cancer of breast. Last evaluated: 2025-04-02. Review status: criteria provided, single submitter. Criteria: Invitae Variant Classification Sherloc (09022015). Collection method: clinical testing. Allele origin: germline.
Comment: This sequence change replaces asparagine, which is neutral and polar, with aspartic acid, which is acidic and polar, at codon 255 of the BARD1 protein (p.Asn255Asp). This variant is not present in population databases (gnomAD no frequency). This variant has not been reported in the literature in individuals affected with BARD1-related conditions. ClinVar contains an entry for this variant (Variation ID: 842731). An algorithm developed to predict the effect of missense changes on protein structure and function (PolyPhen-2) suggests that this variant is likely to be tolerated. In summary, the available evidence is currently insufficient to determine the role of this variant in disease. Therefore, it has been classified as a Variant of Uncertain Significance.

Ambry Genetics
Classification: Uncertain significance for Hereditary cancer-predisposing syndrome. Last evaluated: 2024-05-24. Review status: criteria provided, single submitter. Criteria: Ambry Variant Classification Scheme 2023. Collection method: clinical testing. Allele origin: germline.
Comment: The p.N255D variant (also known as c.763A>G), located in coding exon 4 of the BARD1 gene, results from an A to G substitution at nucleotide position 763. The asparagine at codon 255 is replaced by aspartic acid, an amino acid with highly similar properties. This amino acid position is conserved. In addition, this alteration is predicted to be tolerated by in silico analysis. Based on the available evidence, the clinical significance of this variant remains unclear.

Color Diagnostics, LLC DBA Color Health
Classification: Uncertain significance for Hereditary cancer-predisposing syndrome. Last evaluated: 2019-06-11. Review status: criteria provided, single submitter. Criteria: ACMG Guidelines, 2015. Collection method: clinical testing. Allele origin: germline.